The following is an entry in ClinVar:

NM_177438.3(DICER1):c.815T>C (p.Met272Thr)

Gene: DICER1 (dicer 1, ribonuclease III; minus strand). Cytogenetic location: 14q32.13.
Variant type: single nucleotide variant.
Coding change: c.815T>C on transcript NM_177438.3 (MANE Select); coding-DNA position 815, T replaced by C.
Protein change: p.Met272Thr; replaces methionine 272 with threonine.
Molecular consequence: missense variant. On other transcripts: 5 prime UTR variant (1), non-coding transcript variant (6).
Genome position (GRCh38, 1-based): chr14:95,126,668, A>G on the plus strand (T>C on the coding strand, the complement: DICER1 is on the minus strand). VCF-style: chr14-95126668-A-G. GRCh37 (hg19) VCF-style: chr14-95593005-A-G.
Other names: c.-754T>C (NM_001395697.1); c.410T>C, p.Met137Thr (NM_001395698.1, NM_001395687.1, NM_001395688.1 and 3 more transcripts); c.815T>C, p.Met272Thr (NM_001395699.1, NM_001395700.1, NM_030621.4 and 15 more transcripts); c.533T>C, p.Met178Thr (NM_001395686.1); c.248T>C, p.Met83Thr (NM_001395691.1); short protein forms M137T, M178T, M272T, M83T.
Identifiers: ClinVar variation 2765162 (VCV002765162.3), dbSNP rs2543230004, ClinGen allele CA390887670.

ClinVar aggregate classification (germline): Uncertain significance (1 of 4 stars; one submission).

Conditions:
DICER1-related tumor predisposition. Also called: DICER1-related pleuropulmonary blastoma cancer predisposition syndrome; DICER1 syndrome. Identifiers: Orphanet 284343, MedGen C3839822, MONDO:0100216.

Submission:

Labcorp Genetics (formerly Invitae), Labcorp
Classification: Uncertain significance for DICER1-related tumor predisposition. Last evaluated: 2023-10-04. Review status: criteria provided, single submitter. Criteria: Invitae Variant Classification Sherloc (09022015). Collection method: clinical testing. Allele origin: germline.
Comment: This sequence change replaces methionine, which is neutral and non-polar, with threonine, which is neutral and polar, at codon 272 of the DICER1 protein (p.Met272Thr). This variant is not present in population databases (gnomAD no frequency). This variant has not been reported in the literature in individuals affected with DICER1-related conditions. Advanced modeling of protein sequence and biophysical properties (such as structural, functional, and spatial information, amino acid conservation, physicochemical variation, residue mobility, and thermodynamic stability) performed at Invitae indicates that this missense variant is not expected to disrupt DICER1 protein function. In summary, the available evidence is currently insufficient to determine the role of this variant in disease. Therefore, it has been classified as a Variant of Uncertain Significance.